The following is an entry in ClinVar:

ClinVar aggregate classification (germline): Pathogenic (1 of 4 stars; one submission).

Conditions:
Hereditary cancer-predisposing syndrome. Also called: Hereditary Cancer Syndrome; Hereditary neoplastic syndrome; Neoplastic Syndromes, Hereditary; Tumor predisposition. Identifiers: Orphanet 140162, MedGen C0027672, MeSH D009386, MONDO:0015356.

Submission:

Ambry Genetics
Classification: Pathogenic for Hereditary cancer-predisposing syndrome. Last evaluated: 2021-03-31. Review status: criteria provided, single submitter. Criteria: Ambry Variant Classification Scheme 2023. Collection method: clinical testing. Allele origin: germline.
Comment: The c.4672delA pathogenic mutation, located in coding exon 10 of the BRCA2 gene, results from a deletion of one nucleotide at nucleotide position 4672, causing a translational frameshift with a predicted alternate stop codon (p.S1558Vfs*10). This alteration is expected to result in loss of function by premature protein truncation or nonsense-mediated mRNA decay. As such, this alteration is interpreted as a disease-causing mutation.

NM_000059.4(BRCA2):c.4672del (p.Ser1558fs)

Gene: BRCA2 (BRCA2 DNA repair associated; plus strand). Cytogenetic location: 13q13.1.
Variant type: Deletion.
Coding change: c.4672del on transcript NM_000059.4 (MANE Select); coding-DNA position 4672, one base deleted (A; older notation c.4672delA).
Protein change: p.Ser1558fs; shifts the reading frame from serine 1558.
Molecular consequence: frameshift variant.
Genome position (GRCh38, 1-based): chr13:32,339,027, A deleted. VCF-style (leftmost placement, unchanged base first): chr13-32339026-CA-C. GRCh37 (hg19) VCF-style: chr13-32913163-CA-C.
Other names: c.4672delA, p.Ser1558Valfs (NM_001406719.1, NM_001406720.1); short protein forms S1558fs.
Identifiers: ClinVar variation 1742338 (VCV001742338.2), dbSNP rs2548529037, ClinGen allele CA2580087301.